The following is an entry in ClinVar:

NM_052947.4(ALPK2):c.5377C>G (p.Gln1793Glu)

Gene: ALPK2 (alpha kinase 2; minus strand). Cytogenetic location: 18q21.31.
Variant type: single nucleotide variant.
Coding change: c.5377C>G on transcript NM_052947.4 (MANE Select); coding-DNA position 5377, C replaced by G.
Protein change: p.Gln1793Glu; replaces glutamine 1793 with glutamic acid.
Molecular consequence: missense variant.
Genome position (GRCh38, 1-based): chr18:58,529,215, G>C on the plus strand (C>G on the coding strand, the complement: ALPK2 is on the minus strand). VCF-style: chr18-58529215-G-C. GRCh37 (hg19) VCF-style: chr18-56196447-G-C.
Other names: short protein forms Q1793E.
Identifiers: ClinVar variation 2625978 (VCV002625978.2), dbSNP rs2518869638, ClinGen allele CA402554290.

ClinVar aggregate classification (germline): Uncertain significance (1 of 4 stars; one submission).

Submission:

Ambry Genetics
Classification: Uncertain significance. Last evaluated: 2023-06-25. Review status: criteria provided, single submitter. Criteria: Ambry Variant Classification Scheme 2023. Collection method: clinical testing. Allele origin: germline.
Comment: The p.Q1793E variant (also known as c.5377C>G), located in coding exon 5 of the ALPK2 gene, results from a C to G substitution at nucleotide position 5377. The glutamine at codon 1793 is replaced by glutamic acid, an amino acid with highly similar properties. This amino acid position is conserved. In addition, this alteration is predicted to be tolerated by in silico analysis. Since supporting evidence is limited at this time, the clinical significance of this alteration remains unclear.